The following is an entry in ClinVar:

ClinVar aggregate classification (germline): Uncertain significance (1 of 4 stars; one submission).

Conditions:
Hereditary cancer-predisposing syndrome. Also called: Tumor predisposition; Hereditary neoplastic syndrome; Neoplastic Syndromes, Hereditary; Hereditary Cancer Syndrome. Identifiers: Orphanet 140162, MedGen C0027672, MeSH D009386, MONDO:0015356.

Submission:

Ambry Genetics
Classification: Uncertain significance for Hereditary cancer-predisposing syndrome. Last evaluated: 2025-05-27. Review status: criteria provided, single submitter. Criteria: Ambry Variant Classification Scheme 2023. Collection method: clinical testing. Allele origin: germline.
Comment: The p.L220P variant (also known as c.659T>C), located in coding exon 5 of the CDH1 gene, results from a T to C substitution at nucleotide position 659. The leucine at codon 220 is replaced by proline, an amino acid with similar properties. This amino acid position is conserved. In addition, this alteration is predicted to be deleterious by in silico analysis. Based on the available evidence, the clinical significance of this variant remains unclear.

NM_004360.5(CDH1):c.659T>C (p.Leu220Pro)

Gene: CDH1 (cadherin 1; plus strand). Cytogenetic location: 16q22.1.
Variant type: single nucleotide variant.
Coding change: c.659T>C on transcript NM_004360.5 (MANE Select); coding-DNA position 659, T replaced by C.
Protein change: p.Leu220Pro; replaces leucine 220 with proline.
Molecular consequence: missense variant. On other transcripts: 5 prime UTR variant (2).
Genome position (GRCh38, 1-based): chr16:68,808,820, T>C. VCF-style: chr16-68808820-T-C. GRCh37 (hg19) VCF-style: chr16-68842723-T-C.
Other names: c.659T>C, p.Leu220Pro (NM_001317184.2); c.-957T>C (NM_001317185.2); c.-1161T>C (NM_001317186.2); short protein forms L220P.
Identifiers: ClinVar variation 3998751 (VCV003998751.1).